The following is an entry in ClinVar:

NM_015178.3(RHOBTB2):c.2067C>G (p.Asp689Glu)

Gene: RHOBTB2 (Rho related BTB domain containing 2; plus strand). Cytogenetic location: 8p21.3.
Variant type: single nucleotide variant.
Coding change: c.2067C>G on transcript NM_015178.3 (MANE Select); coding-DNA position 2067, C replaced by G.
Protein change: p.Asp689Glu; replaces aspartic acid 689 with glutamic acid.
Molecular consequence: missense variant.
Genome position (GRCh38, 1-based): chr8:23,017,352, C>G. VCF-style: chr8-23017352-C-G. GRCh37 (hg19) VCF-style: chr8-22874865-C-G.
Other names: c.2133C>G, p.Asp711Glu (NM_001160036.2); c.2088C>G, p.Asp696Glu (NM_001160037.2); c.2067C>G, p.Asp689Glu (NM_001374791.1); short protein forms D689E, D696E, D711E.
Identifiers: ClinVar variation 4808263 (VCV004808263.1).

ClinVar aggregate classification (germline): Uncertain significance (1 of 4 stars; one submission).

Submission:

Labcorp Genetics (formerly Invitae), Labcorp
Classification: Uncertain significance. Last evaluated: 2025-03-15. Review status: criteria provided, single submitter. Criteria: Invitae Variant Classification Sherloc (09022015). Collection method: clinical testing. Allele origin: germline.
Comment: This sequence change replaces aspartic acid, which is acidic and polar, with glutamic acid, which is acidic and polar, at codon 711 of the RHOBTB2 protein (p.Asp711Glu). This variant is not present in population databases (gnomAD no frequency). This variant has not been reported in the literature in individuals affected with RHOBTB2-related conditions. Invitae Evidence Modeling of protein sequence and biophysical properties (such as structural, functional, and spatial information, amino acid conservation, physicochemical variation, residue mobility, and thermodynamic stability) indicates that this missense variant is not expected to disrupt RHOBTB2 protein function with a negative predictive value of 80%. In summary, the available evidence is currently insufficient to determine the role of this variant in disease. Therefore, it has been classified as a Variant of Uncertain Significance.